The following is an entry in ClinVar:

ClinVar aggregate classification (germline): Uncertain significance (1 of 4 stars; one submission).

Conditions:
Acute myeloid leukemia (AML). Also called: Acute myeloid leukemia, adult; AML adult; Acute non-lymphocytic leukemia; Acute granulocytic leukemia; Leukemia, acute myeloid, somatic; Leukemia, acute myelogenous, somatic. Identifiers: Orphanet 519, MedGen C0023467, MeSH D015470, MONDO:0018874, OMIM 601626, HP:0004808. Disease mechanism: Constitutively activated FLT3.

Submission:

Labcorp Genetics (formerly Invitae), Labcorp
Classification: Uncertain significance for Acute myeloid leukemia. Last evaluated: 2022-04-06. Review status: criteria provided, single submitter. Criteria: Invitae Variant Classification Sherloc (09022015). Collection method: clinical testing. Allele origin: germline.
Comment: In summary, the available evidence is currently insufficient to determine the role of this variant in disease. Therefore, it has been classified as a Variant of Uncertain Significance. Algorithms developed to predict the effect of missense changes on protein structure and function are either unavailable or do not agree on the potential impact of this missense change (SIFT: "Tolerated"; PolyPhen-2: "Possibly Damaging"; Align-GVGD: "Class C0"). This variant has not been reported in the literature in individuals affected with CEBPA-related conditions. This variant is not present in population databases (gnomAD no frequency). This sequence change replaces proline, which is neutral and non-polar, with serine, which is neutral and polar, at codon 43 of the CEBPA protein (p.Pro43Ser).

NM_004364.5(CEBPA):c.127C>T (p.Pro43Ser)

Gene: CEBPA (CCAAT enhancer binding protein alpha; minus strand). Cytogenetic location: 19q13.11.
Variant type: single nucleotide variant.
Coding change: c.127C>T on transcript NM_004364.5 (MANE Select); coding-DNA position 127, C replaced by T.
Protein change: p.Pro43Ser; replaces proline 43 with serine.
Molecular consequence: missense variant. On other transcripts: 5 prime UTR variant (1).
Genome position (GRCh38, 1-based): chr19:33,302,288, G>A on the plus strand (C>T on the coding strand, the complement: CEBPA is on the minus strand). VCF-style: chr19-33302288-G-A. GRCh37 (hg19) VCF-style: chr19-33793194-G-A.
Other names: c.-231C>T (NM_001285829.2); c.232C>T, p.Pro78Ser (NM_001287424.2); c.85C>T, p.Pro29Ser (NM_001287435.2); short protein forms P29S, P78S, P43S.
Identifiers: ClinVar variation 2122040 (VCV002122040.4), dbSNP rs2513333069, ClinGen allele CA405275619.
Genomic context (GRCh38, chr19:33,302,288, plus strand): 5'-CGATGGACGTCTCGTGCTCGCAGATGCCGCCCAGCGGCTCCGGGGCGGCAGGTGGGGCGG[G>A]AGGCTGCGCGGGGCCCGCGCCCCGGGGAAAGCCGAAGGCGGCGCTGCTGGGCGCGTGCGG-3'
Protein context (NP_004355.2, residues 33-53): FPRGAGPAQP[Pro43Ser]APPAAPEPLG